The following is an entry in ClinVar:

ClinVar aggregate classification (germline): Likely pathogenic (1 of 4 stars; one submission).

Conditions:
DDX41-related hematologic malignancy predisposition syndrome. Also called: DDX41-Associated Familial Myelodysplastic Syndrome and Acute Myeloid Leukemia; Myeloproliferative/lymphoproliferative neoplasms, familial (multiple types), susceptibility to. Identifiers: Orphanet 488647, MedGen C4225174, MONDO:0014809, OMIM 616871.

Submission:

Juno Genomics, Hangzhou Juno Genomics, Inc
Classification: Likely pathogenic for DDX41-related hematologic malignancy predisposition syndrome. Review status: criteria provided, single submitter. Criteria: ACMG Guidelines, 2015. Collection method: clinical testing. Allele origin: germline.
Comment: Absent from controls (or at extremely low frequency if recessive) in Genome Aggregation Database.;Null variant in a gene where loss of function (LOF) is a known mechanism of disease.

NM_016222.4(DDX41):c.533dup (p.Pro179fs)

Gene: DDX41 (DEAD-box helicase 41; minus strand). Cytogenetic location: 5q35.3.
Variant type: Duplication.
Coding change: c.533dup on transcript NM_016222.4 (MANE Select); coding-DNA position 533, one base duplicated (C; older notation c.533dupC).
Protein change: p.Pro179fs; shifts the reading frame from proline 179.
Molecular consequence: frameshift variant.
Genome position (GRCh38, 1-based): chr5:177,515,723, G duplicated on the plus strand (C on the coding strand, the reverse complement: DDX41 is on the minus strand); the first of 2 consecutive G bases (chr5:177,515,723-177,515,724); duplicating either gives the same sequence. VCF-style (leftmost placement, unchanged base first): chr5-177515722-T-TG. GRCh37 (hg19) VCF-style: chr5-176942723-T-TG.
Other names: c.155dup, p.Pro53fs (NM_001321732.2, NM_001321830.2); short protein forms P179fs, P53fs.
Identifiers: ClinVar variation 3382159 (VCV003382159.3).